The following is an entry in ClinVar:

ClinVar aggregate classification (germline): Uncertain significance. Review status: reviewed by expert panel (3 of 4 stars). 10 submissions from 10 submitters: Uncertain significance (1). 9 of the submissions do not count toward it. Last evaluated 2025-08-01.

Conditions:
RYR1-related disorder. Also called: RYR1-related disorders; RYR1-related condition. Identifiers: MedGen CN239331.
Congenital multicore myopathy with external ophthalmoplegia (CMYO1B). Also called: MULTICORE MYOPATHY; Minicore myopathy with external ophthalmoplegia; Congenital myopathy 1B, autosomal recessive; Minicore myopathy; MULTIMINICORE DISEASE WITH EXTERNAL OPHTHALMOPLEGIA. Identifiers: Orphanet 598, Orphanet 98905, MedGen C1850674, MONDO:0009712, OMIM 255320, HP:0003789.
King Denborough syndrome (KDS). Identifiers: MedGen C1840365, MONDO:0020485, OMIM 619542.
Central core myopathy (CMYO1A). Also called: Central core disease; Myopathy, central fibrillar; CONGENITAL MYOPATHY 1A, AUTOSOMAL DOMINANT, WITH SUSCEPTIBILITY TO MALIGNANT HYPERTHERMIA. Identifiers: Orphanet 597, MedGen C5830701, MONDO:0007294, OMIM 117000.
Congenital myopathy with fiber type disproportion. Also called: Congenital fiber-type disproportion myopathy; Congenital fiber-type disproportion. Identifiers: Orphanet 2020, MedGen C0546264, MONDO:0009711. Inheritance: all.
Malignant hyperthermia, susceptibility to, 1 (MHS1). Also called: RYR1-Related Malignant Hyperthermia Susceptibility; Malignant hyperthermia suceptibility 1; Anesthesia related hyperthermia; Malignant hyperpyrexia; Fulminating hyperpyrexia; Pharmacogenic myopathy. Identifiers: Orphanet 423, MedGen C2930980, MONDO:0007783, OMIM 145600.

Allele frequency attached by ClinVar (database versions not stated): gnomAD 0.00001; gnomAD exomes 0.00001 and 0.00002; TOPMed 0.00001; ExAC 0.00002.
gnomAD v4.1: 12 of 1,614,016 alleles (0.00074%); highest among the groups gnomAD compares: Admixed American, 0.005%; no homozygotes.

Submissions (10):

ClinGen Malignant Hyperthermia Susceptibility Variant Curation Expert Panel, ClinGen
Classification: Uncertain significance for Malignant hyperthermia, susceptibility to, 1. Last evaluated: 2025-08-01. Review status: reviewed by expert panel. Criteria: ClinGen MHS ACMG Specifications V2. Collection method: curation. Allele origin: germline. Inheritance: Autosomal dominant inheritance.
Comment: This pathogenicity assessment is relevant only for malignant hyperthermia susceptibility (MHS) inherited in an autosomal dominant pattern. Variants in RYR1 can also cause other myopathies inherited in an autosomal dominant pattern or in an autosomal recessive pattern. Some of these disorders may predispose individuals to malignant hyperthermia. RYR1 variants may also contribute to a malignant hyperthermia reaction in combination with other genetic and non-genetic factors and the clinician needs to consider such factors in making management decisions. This sequence variant predicts a substitution of arginine with histidine at codon 3348 of the RYR1 protein, p.(Arg3348His). This variant has been reported in two unrelated individuals who have a personal or family history of a malignant hyperthermia reaction, both of these individuals had a positive in vitro contracture test (IVCT) or caffeine halothane contracture test (CHCT) result (if the proband was unavailable for testing, a positive diagnostic test result in a mutation-positive relative was counted), PS4_Supporting (PMID:15731587, PMID:25735680). No functional studies were identified for this variant. A REVEL score of 0.705 supports neither a pathogenic nor a benign status for this variant. This variant has been classified as a Variant of Unknown Significance. Criteria implemented: PS4_Supporting.

Labcorp Genetics (formerly Invitae), Labcorp
Classification: Uncertain significance for RYR1-related disorder. Last evaluated: 2025-12-28. Review status: criteria provided, single submitter. Criteria: Invitae Variant Classification Sherloc (09022015). Collection method: clinical testing. Allele origin: germline. Not counted in ClinVar's aggregate classification.
Comment: This sequence change replaces arginine, which is basic and polar, with histidine, which is basic and polar, at codon 3348 of the RYR1 protein (p.Arg3348His). This variant is present in population databases (rs193922834, gnomAD 0.006%). This missense change has been observed in individual(s) with malignant hyperthermia susceptibility and/or unexplained limb-girdle weakness (PMID: 15731587, 25735680, 32528171). ClinVar contains an entry for this variant (Variation ID: 132988). Invitae Evidence Modeling of protein sequence and biophysical properties (such as structural, functional, and spatial information, amino acid conservation, physicochemical variation, residue mobility, and thermodynamic stability) indicates that this missense variant is not expected to disrupt RYR1 protein function with a negative predictive value of 80%. In summary, the available evidence is currently insufficient to determine the role of this variant in disease. Therefore, it has been classified as a Variant of Uncertain Significance.

Color Diagnostics, LLC DBA Color Health
Classification: Uncertain significance for Malignant hyperthermia, susceptibility to, 1. Last evaluated: 2025-10-02. Review status: criteria provided, single submitter. Criteria: ACMG Guidelines, 2015. Collection method: clinical testing. Allele origin: germline. Not counted in ClinVar's aggregate classification.
Comment: This missense variant replaces arginine with histidine at codon 3348 of the RYR1 protein. Computational prediction suggests that this variant may have deleterious impact on protein structure and function. To our knowledge, functional studies have not been reported for this variant. This variant has not been reported in two individuals affected with malignant hyperthermia, including one who also carried additional VUS RYR1 co-variants (PMID: 15731587, 25735680). This variant has been identified in 5/282378 chromosomes in the general population by the Genome Aggregation Database (gnomAD). The available evidence is insufficient to determine the role of this variant in disease conclusively. Therefore, this variant is classified as a Variant of Uncertain Significance.

All of Us Research Program, National Institutes of Health
Classification: Uncertain significance for Malignant hyperthermia, susceptibility to, 1. Last evaluated: 2024-05-17. Review status: criteria provided, single submitter. Criteria: ACMG Guidelines, 2015. Collection method: clinical testing. Allele origin: germline. Inheritance: Autosomal dominant inheritance. Observed: 4 variant alleles, 4 heterozygotes. Not counted in ClinVar's aggregate classification.
Comment: This missense variant replaces arginine with histidine at codon 3348 of the RYR1 protein. Computational prediction suggests that this variant may have deleterious impact on protein structure and function (internally defined REVEL score threshold >= 0.7, PMID: 27666373). To our knowledge, functional studies have not been reported for this variant. This variant has not been reported in two individuals affected with malignant hyperthermia, including one who also carried additional VUS RYR1 co-variants (PMID: 15731587, 25735680). This variant has been identified in 5/282378 chromosomes in the general population by the Genome Aggregation Database (gnomAD). The available evidence is insufficient to determine the role of this variant in disease conclusively. Therefore, this variant is classified as a Variant of Uncertain Significance.

This study involves interpretation of variants in research participants for the purpose of population health screening. Participant phenotype was not available at the time of variant classification. Additional details can be found in publication PMID: 35346344, PMCID: PMC8962531

Victorian Clinical Genetics Services, Murdoch Childrens Research Institute
Classification: Uncertain significance for Central core myopathy. Last evaluated: 2022-03-31. Review status: criteria provided, single submitter. Criteria: ACMG Guidelines, 2015. Collection method: clinical testing. Allele origin: germline. Not counted in ClinVar's aggregate classification.
Comment: Based on the classification scheme VCGS_Germline_v1.3.4, this variant is classified as VUS-3B. Following criteria are met: 0103 - Loss of function and gain of function are known mechanisms of disease in this gene. Variants exerting a loss of function effect are associated with autosomal recessive minicore myopathy with external ophthalmoplegia (MIM#255320), central core disease and neuromuscular disease, congenital, with uniform type 1 fiber (MIM#117000). Gain of function is associated with autosomal dominant King-Denborough syndrome (MIM#619542), malignant hyperthermia susceptibility (MIM#145600), central core disease and neuromuscular disease, congenital, with uniform type 1 fiber (MIM#117000) (PMID: 23919265, 27855725, 27858745, 30155320). (I) 0108 - This gene is associated with both recessive and dominant disease. (I) 0200 - Variant is predicted to result in a missense amino acid change from arginine to histidine. (I) 0251 - This variant is heterozygous. (I) 0304 - Variant is present in gnomAD <0.01 (v2: 5 heterozygotes, 0 homozygotes). (SP) 0309 - An alternative amino acid change at the same position has been observed in gnomAD (19 heterozygotes, 0 homozygotes). (I) 0502 - Missense variant with conflicting in silico predictions and uninformative conservation. (I) 0604 - Variant is not located in an established domain, motif, hotspot or informative constraint region. (I) 0705 - No comparable missense variants have previous evidence for pathogenicity. (I) 0809 - Previous evidence of pathogenicity for this variant is inconclusive. It has mostly been reported in the context of malignant hyperthermia and has been classified as a VUS by ClinGen Malignant Hyperthermia Susceptibility Variant Curation Expert Panel (PMID: 15731587, 25735680). There is a single report of it being identified in an individual with neuromuscular disorder, however additional details such as clinical information and zygosity were not provided (PMID: 32528171). (I) 1007 - No published functional evidence has been identified for this variant. (I) 1208 - Inheritance information for this variant is not currently available in this individual. (I) Legend: (SP) - Supporting pathogenic, (I) - Information, (SB) - Supporting benign

Fulgent Genetics
Classification: Uncertain significance for Central core myopathy; Malignant hyperthermia, susceptibility to, 1; Congenital myopathy 4A, autosomal dominant; Congenital multicore myopathy with external ophthalmoplegia; King Denborough syndrome. Last evaluated: 2022-03-03. Review status: criteria provided, single submitter. Criteria: ACMG Guidelines, 2015. Collection method: clinical testing. Allele origin: unknown. Not counted in ClinVar's aggregate classification.

Revvity Omics, Revvity
Classification: Uncertain significance. Last evaluated: 2022-01-16. Review status: criteria provided, single submitter. Criteria: ACMG Guidelines, 2015. Collection method: clinical testing. Allele origin: germline. Not counted in ClinVar's aggregate classification.

Genome Diagnostics Laboratory, Amsterdam University Medical Center
Classification: Uncertain significance. Review status: no assertion criteria provided. Collection method: clinical testing. Allele origin: germline. Affected: yes. Study: VKGL Data-share Consensus. Not counted in ClinVar's aggregate classification.

Joint Genome Diagnostic Labs from Nijmegen and Maastricht, Radboudumc and MUMC+
Classification: Uncertain significance. Review status: no assertion criteria provided. Collection method: clinical testing. Allele origin: germline. Affected: yes. Study: VKGL Data-share Consensus. Not counted in ClinVar's aggregate classification.

RYR1 database
No classification provided. Review status: no classification provided. Collection method: not provided. Allele origin: unknown. Not counted in ClinVar's aggregate classification.

Literature cited by the submitters: PubMed 15731587 (cited by 4 submitters); PubMed 25735680 (cited by 4 submitters); PubMed 32528171 (cited by Labcorp Genetics (formerly Invitae), Labcorp and Victorian Clinical Genetics Services, Murdoch Childrens Research Institute); PubMed 23919265 (cited by Victorian Clinical Genetics Services, Murdoch Childrens Research Institute); PubMed 27855725 (cited by Victorian Clinical Genetics Services, Murdoch Childrens Research Institute); PubMed 27858745 (cited by Victorian Clinical Genetics Services, Murdoch Childrens Research Institute); PubMed 30155320 (cited by Victorian Clinical Genetics Services, Murdoch Childrens Research Institute).

NM_000540.3(RYR1):c.10043G>A (p.Arg3348His)

Gene: RYR1 (ryanodine receptor 1; plus strand). Cytogenetic location: 19q13.2.
Variant type: single nucleotide variant.
Coding change: c.10043G>A on transcript NM_000540.3 (MANE Select); coding-DNA position 10043, G replaced by A.
Protein change: p.Arg3348His; replaces arginine 3348 with histidine.
Molecular consequence: missense variant.
Genome position (GRCh38, 1-based): chr19:38,519,238, G>A. VCF-style: chr19-38519238-G-A. GRCh37 (hg19) VCF-style: chr19-39009878-G-A.
Other names: c.10043G>A (NM_000540.2); c.10043G>A, p.Arg3348His (NM_001042723.2); short protein forms R3348H.
Identifiers: ClinVar variation 132988 (VCV000132988.17), dbSNP rs193922834, ClinGen allele CA023809.